The following is an entry in ClinVar:

NM_001110556.2(FLNA):c.7872_7873del (p.Glu2625fs)

Genes: FLNA (filamin A; minus strand), LOC107988032 (Xq28 proximal FLNA-EMD recombination region; plus strand). Cytogenetic location: Xq28.
Variant type: Deletion.
Coding change: c.7872_7873del on transcript NM_001110556.2 (MANE Select); coding-DNA positions 7872 to 7873, 2 bases deleted (GG; older notation c.7872_7873delGG).
Protein change: p.Glu2625fs; shifts the reading frame from glutamic acid 2625.
Molecular consequence: frameshift variant.
Genome position (GRCh38, 1-based): chrX:154,348,920-154,348,921, CC deleted on the plus strand (GG on the coding strand, the reverse complement: FLNA is on the minus strand); deleting any 2 consecutive bases within chrX:154,348,920-154,348,924 gives the same sequence; the c. name uses the placement nearest the transcript's 3' end. VCF-style (leftmost placement, unchanged base first): chrX-154348919-TCC-T. GRCh37 (hg19) VCF-style: chrX-153577287-TCC-T.
Other names: c.7848_7849del, p.Glu2617fs (NM_001456.4); c.7848_7849delGG (NM_001456.3); short protein forms E2625fs, E2617fs.
Identifiers: ClinVar variation 652215 (VCV000652215.11), dbSNP rs1603358246, ClinGen allele CA915952155.

ClinVar aggregate classification (germline): Pathogenic (1 of 4 stars; one submission).

Conditions:
Frontometaphyseal dysplasia (FMD1). Identifiers: Orphanet 1826, MedGen C0265293, MONDO:0015942.
Oto-palato-digital syndrome, type II (OPD2). Also called: FACIOPALATOOSSEOUS SYNDROME; Otopalatodigital Syndrome, Type II; Otopalatodigital Syndrome Type 2 (FLNA-OPD2); OPD II SYNDROME. Identifiers: Orphanet 669, Orphanet 90652, MedGen C1844696, MONDO:0010571, OMIM 304120.
Heterotopia, periventricular, X-linked dominant (PVNH1). Also called: PERIVENTRICULAR NODULAR HETEROTOPIA 4; HETEROTOPIA, PERIVENTRICULAR, 1; PERIVENTRICULAR NODULAR HETEROTOPIA 1; X-linked periventricular heterotopia. Identifiers: Orphanet 2149, Orphanet 82004, MedGen C1848213, MONDO:0010233, OMIM 300049.
Melnick-Needles syndrome (MNS). Also called: Melnick-Needles Syndrome (FLNA-MNS); MELNICK-NEEDLES OSTEODYSPLASTY; OSTEODYSPLASTY OF MELNICK AND NEEDLES. Identifiers: Orphanet 2484, MedGen C0025237, MONDO:0010650, OMIM 309350.

Submission:

Labcorp Genetics (formerly Invitae), Labcorp
Classification: Pathogenic for Oto-palato-digital syndrome, type II; Heterotopia, periventricular, X-linked dominant; Frontometaphyseal dysplasia; Melnick-Needles syndrome. Last evaluated: 2019-06-21. Review status: criteria provided, single submitter. Criteria: Invitae Variant Classification Sherloc (09022015). Collection method: clinical testing. Allele origin: germline.
Comment: This sequence change results in a frameshift in the FLNA gene (p.Glu2617Valfs*124). While this is not anticipated to result in nonsense mediated decay, it is expected to disrupt the last 23 amino acids of the FLNA protein and extend the protein by an additional 101 amino acids. This variant is not present in population databases (ExAC no frequency). This variant results in an extension of the FLNA protein. Other variant(s) that result in a similarly extended protein product (p.*2640Serext*100) have been determined to be pathogenic (PMID: 23873601, 28428218). This suggests that these extensions are likely to be causative of disease. For these reasons, this variant has been classified as Pathogenic.

Literature cited by the submitters: PubMed 23873601; PubMed 28428218.